The following is an entry in ClinVar:

NM_000264.5(PTCH1):c.1847+5A>C

Genes: PTCH1 (patched 1; minus strand), LOC100507346 (uncharacterized LOC100507346; plus strand). Cytogenetic location: 9q22.32.
Variant type: single nucleotide variant.
Coding change: c.1847+5A>C on transcript NM_000264.5 (MANE Select); 5 bases into the intron after coding-DNA position 1847, A replaced by C.
Molecular consequence: intron variant. On other transcripts: non-coding transcript variant (1).
Genome position (GRCh38, 1-based): chr9:95,469,808, T>G on the plus strand (A>C on the coding strand, the complement: PTCH1 is on the minus strand). VCF-style: chr9-95469808-T-G. GRCh37 (hg19) VCF-style: chr9-98232090-T-G.
Other names: c.1844+5A>C (NM_001083603.3); c.1649+5A>C (NM_001083602.3); c.1691+5A>C (NM_001354918.2); c.1394+5A>C (NM_001083605.3, NM_001083604.3, NM_001083606.3 and 1 more transcripts).
Identifiers: ClinVar variation 3230958 (VCV003230958.1), dbSNP rs1286074829, ClinGen allele CA2825001634.

ClinVar aggregate classification (germline): Uncertain significance (1 of 4 stars; one submission).

Conditions:
Hereditary cancer-predisposing syndrome. Also called: Neoplastic Syndromes, Hereditary; Tumor predisposition; Hereditary neoplastic syndrome; Hereditary Cancer Syndrome. Identifiers: Orphanet 140162, MedGen C0027672, MeSH D009386, MONDO:0015356.

Submission:

Ambry Genetics
Classification: Uncertain significance for Hereditary cancer-predisposing syndrome. Last evaluated: 2024-02-15. Review status: criteria provided, single submitter. Criteria: Ambry Variant Classification Scheme 2023. Collection method: clinical testing. Allele origin: germline.
Comment: The c.1847+5A>C intronic variant results from an A to C substitution 5 nucleotides after coding exon 13 in the PTCH1 gene. This nucleotide position is not well conserved in available vertebrate species. In silico splice site analysis predicts that this alteration will not have any significant effect on splicing. Based on the available evidence, the clinical significance of this alteration remains unclear.